The following is an entry in ClinVar:

ClinVar aggregate classification (germline): Uncertain significance (1 of 4 stars; one submission).

Conditions:
Autosomal dominant nocturnal frontal lobe epilepsy 5. Also called: CILIARY DYSKINESIA, PRIMARY, 28, WITHOUT SITUS INVERSUS; CILIARY DYSKINESIA, PRIMARY, 28, WITH SITUS INVERSUS; KCNT1-Related Epilepsy; Epilepsy, nocturnal frontal lobe, 5. Identifiers: Orphanet 98784, MedGen C3554306, MONDO:0014002, OMIM 615005.
Developmental and epileptic encephalopathy, 14 (DEE14). Also called: Early infantile epileptic encephalopathy 14. Identifiers: Orphanet 293181, MedGen C3554195, MONDO:0013989, OMIM 614959.

gnomAD v4.1: 1 of 1,613,006 alleles (0.000062%); highest among the groups gnomAD compares: South Asian, 0.0011%; no homozygotes.

Submission:

Labcorp Genetics (formerly Invitae), Labcorp
Classification: Uncertain significance for Autosomal dominant nocturnal frontal lobe epilepsy 5; Developmental and epileptic encephalopathy, 14. Last evaluated: 2025-12-15. Review status: criteria provided, single submitter. Criteria: Invitae Variant Classification Sherloc (09022015). Collection method: clinical testing. Allele origin: germline.
Comment: This sequence change replaces histidine, which is basic and polar, with glutamine, which is neutral and polar, at codon 1054 of the KCNT1 protein (p.His1054Gln). This variant is not present in population databases (gnomAD no frequency). This variant has not been reported in the literature in individuals affected with KCNT1-related conditions. Invitae Evidence Modeling of protein sequence and biophysical properties (such as structural, functional, and spatial information, amino acid conservation, physicochemical variation, residue mobility, and thermodynamic stability) indicates that this missense variant is not expected to disrupt KCNT1 protein function with a negative predictive value of 95%. In summary, the available evidence is currently insufficient to determine the role of this variant in disease. Therefore, it has been classified as a Variant of Uncertain Significance.

NM_020822.3(KCNT1):c.3162C>G (p.His1054Gln)

Gene: KCNT1 (potassium sodium-activated channel subfamily T member 1; plus strand). Cytogenetic location: 9q34.3.
Variant type: single nucleotide variant.
Coding change: c.3162C>G on transcript NM_020822.3 (MANE Select); coding-DNA position 3162, C replaced by G.
Protein change: p.His1054Gln; replaces histidine 1054 with glutamine.
Molecular consequence: missense variant.
Genome position (GRCh38, 1-based): chr9:135,785,315, C>G. VCF-style: chr9-135785315-C-G. GRCh37 (hg19) VCF-style: chr9-138677161-C-G.
Other names: c.3027C>G, p.His1009Gln (NM_001272003.2); short protein forms H1009Q, H1054Q.
Identifiers: ClinVar variation 4789544 (VCV004789544.1).